The following is an entry in ClinVar:

NM_001142800.2(EYS):c.4432A>G (p.Ile1478Val)

Gene: EYS (eyes shut homolog; minus strand). Cytogenetic location: 6q12.
Variant type: single nucleotide variant.
Coding change: c.4432A>G on transcript NM_001142800.2 (MANE Select); coding-DNA position 4432, A replaced by G.
Protein change: p.Ile1478Val; replaces isoleucine 1478 with valine.
Molecular consequence: missense variant.
Genome position (GRCh38, 1-based): chr6:64,591,435, T>C on the plus strand (A>G on the coding strand, the complement: EYS is on the minus strand). VCF-style: chr6-64591435-T-C. GRCh37 (hg19) VCF-style: chr6-65301328-T-C.
Other names: c.4432A>G, p.Ile1478Val (NM_001292009.2); short protein forms I1478V.
Identifiers: ClinVar variation 854251 (VCV000854251.8), dbSNP rs968087660, ClinGen allele CA140340946.

ClinVar aggregate classification (germline): Uncertain significance. Review status: criteria provided, multiple submitters, no conflicts (2 of 4 stars). 3 submissions from 3 submitters: Uncertain significance (2). 1 of the submissions does not count toward it. Last evaluated 2024-08-27.

Conditions:
Inborn genetic diseases. Identifiers: MedGen C0950123, MeSH D030342.
Retinitis pigmentosa 25 (RP25). Identifiers: Orphanet 791, MedGen C1864446, MONDO:0011272, OMIM 602772.

Allele frequency attached by ClinVar (database versions not stated): gnomAD exomes below 0.00001; gnomAD 0.00001; TOPMed 0.00002.
gnomAD v4.1: 4 of 1,551,220 alleles (0.00026%); highest among the groups gnomAD compares: African/African-American, 0.0041%; no homozygotes.

Submissions (3):

Ambry Genetics
Classification: Uncertain significance for Inborn genetic diseases. Last evaluated: 2024-08-27. Review status: criteria provided, single submitter. Criteria: Ambry Variant Classification Scheme 2023. Collection method: clinical testing. Allele origin: germline.

Labcorp Genetics (formerly Invitae), Labcorp
Classification: Uncertain significance. Last evaluated: 2022-06-27. Review status: criteria provided, single submitter. Criteria: Invitae Variant Classification Sherloc (09022015). Collection method: clinical testing. Allele origin: germline.
Comment: This sequence change replaces isoleucine, which is neutral and non-polar, with valine, which is neutral and non-polar, at codon 1478 of the EYS protein (p.Ile1478Val). This variant is not present in population databases (gnomAD no frequency). This variant has not been reported in the literature in individuals affected with EYS-related conditions. ClinVar contains an entry for this variant (Variation ID: 854251). Algorithms developed to predict the effect of missense changes on protein structure and function output the following: SIFT: "Tolerated"; PolyPhen-2: "Benign"; Align-GVGD: "Class C0". The valine amino acid residue is found in multiple mammalian species, which suggests that this missense change does not adversely affect protein function. Algorithms developed to predict the effect of sequence changes on RNA splicing suggest that this variant may create or strengthen a splice site. In summary, the available evidence is currently insufficient to determine the role of this variant in disease. Therefore, it has been classified as a Variant of Uncertain Significance.

Natera, Inc.
Classification: Uncertain significance for Retinitis pigmentosa type 25. Last evaluated: 2021-06-22. Review status: no assertion criteria provided. Collection method: clinical testing. Allele origin: germline. Not counted in ClinVar's aggregate classification.